The following is an entry in ClinVar:

ClinVar aggregate classification (germline): Uncertain significance (1 of 4 stars; one submission).

Conditions:
Hereditary cancer-predisposing syndrome. Also called: Tumor predisposition; Neoplastic Syndromes, Hereditary; Hereditary Cancer Syndrome; Hereditary neoplastic syndrome. Identifiers: Orphanet 140162, MedGen C0027672, MeSH D009386, MONDO:0015356.

Submission:

Ambry Genetics
Classification: Uncertain significance for Hereditary cancer-predisposing syndrome. Last evaluated: 2024-08-21. Review status: criteria provided, single submitter. Criteria: Ambry Variant Classification Scheme 2023. Collection method: clinical testing. Allele origin: germline.
Comment: The p.G120R variant (also known as c.358G>C), located in coding exon 1 of the CDKN1B gene, results from a G to C substitution at nucleotide position 358. The glycine at codon 120 is replaced by arginine, an amino acid with dissimilar properties. This amino acid position is conserved. In addition, this alteration is predicted to be tolerated by in silico analysis. Based on the available evidence, the clinical significance of this variant remains unclear.

NM_004064.5(CDKN1B):c.358G>C (p.Gly120Arg)

Gene: CDKN1B (cyclin dependent kinase inhibitor 1B; plus strand). Cytogenetic location: 12p13.1.
Variant type: single nucleotide variant.
Coding change: c.358G>C on transcript NM_004064.5 (MANE Select); coding-DNA position 358, G replaced by C.
Protein change: p.Gly120Arg; replaces glycine 120 with arginine.
Molecular consequence: missense variant.
Genome position (GRCh38, 1-based): chr12:12,718,197, G>C. VCF-style: chr12-12718197-G-C. GRCh37 (hg19) VCF-style: chr12-12871131-G-C.
Other names: short protein forms G120R.
Identifiers: ClinVar variation 3489625 (VCV003489625.1).
Genomic context (GRCh38, chr12:12,718,197, plus strand): 5'-AAGGTGCCGGCGCAGGAGAGCCAGGATGTCAGCGGGAGCCGCCCGGCGGCGCCTTTAATT[G>C]GGGCTCCGGCTAACTCTGAGGACACGCATTTGGTGGACCCAAAGACTGATCCGTCGGACA-3'
Protein context (NP_004055.1, residues 110-130): SGSRPAAPLI[Gly120Arg]APANSEDTHL